The following is an entry in ClinVar:

NM_005896.4(IDH1):c.725A>C (p.Gln242Pro)

Gene: IDH1 (isocitrate dehydrogenase (NADP(+)) 1; minus strand). Cytogenetic location: 2q34.
Variant type: single nucleotide variant.
Coding change: c.725A>C on transcript NM_005896.4 (MANE Select); coding-DNA position 725, A replaced by C.
Protein change: p.Gln242Pro; replaces glutamine 242 with proline.
Molecular consequence: missense variant.
Genome position (GRCh38, 1-based): chr2:208,242,119, T>G on the plus strand (A>C on the coding strand, the complement: IDH1 is on the minus strand). VCF-style: chr2-208242119-T-G. GRCh37 (hg19) VCF-style: chr2-209106843-T-G.
Other names: c.725A>C, p.Gln242Pro (NM_001282386.1, NM_001282387.1); short protein forms Q242P.
Identifiers: ClinVar variation 1757943 (VCV001757943.2), dbSNP rs2469019646, ClinGen allele CA350097960.
Genomic context (GRCh38, chr2:208,242,119, plus strand): 5'-TCTGATTTCATAGCTTGGGCCACCATGTCGTCGATGAGCCTATGCTCATACCAGATCTTT[T>G]GAGCTTCAAACTGGGACTTGTACTGCCTGGGAAACAAAAGGTAAAAGAGAATAATAATAA-3'
Protein context (NP_005887.2, residues 232-252): DKQYKSQFEA[Gln242Pro]KIWYEHRLID

ClinVar aggregate classification (germline): Uncertain significance (1 of 4 stars; one submission).

Submission:

Ambry Genetics
Classification: Uncertain significance. Last evaluated: 2021-12-20. Review status: criteria provided, single submitter. Criteria: Ambry Variant Classification Scheme 2023. Collection method: clinical testing. Allele origin: germline.
Comment: The p.Q242P variant (also known as c.725A>C), located in coding exon 5 of the IDH1 gene, results from an A to C substitution at nucleotide position 725. The glutamine at codon 242 is replaced by proline, an amino acid with similar properties. This amino acid position is conserved. In addition, this alteration is predicted to be tolerated by in silico analysis. Since supporting evidence is limited at this time, the clinical significance of this alteration remains unclear.